The following continues an entry in ClinVar:

NM_000455.5(STK11):c.1012G>A (p.Val338Met)

ClinVar aggregate classification (germline): Conflicting classifications of pathogenicity. Uncertain significance (9); Benign (1); Likely benign (4).

Submissions 13 to 16 of 16:

GeneDx
Classification: Likely benign. Last evaluated: 2019-08-19. Review status: criteria provided, single submitter. Criteria: GeneDx Variant Classification Process June 2021. Collection method: clinical testing. Allele origin: germline. Affected: yes.
Comment: Not observed at a significant frequency in large population cohorts (Lek et al., 2016); In silico analysis, which includes protein predictors and evolutionary conservation, supports that this variant does not alter protein structure/function; This variant is associated with the following publications: (PMID: 28135145)

Fulgent Genetics
Classification: Uncertain significance for Peutz-Jeghers syndrome; Familial pancreatic carcinoma; Germ cell tumor of testis. Last evaluated: 2018-10-31. Review status: criteria provided, single submitter. Criteria: ACMG Guidelines, 2015. Collection method: clinical testing. Allele origin: unknown.

Counsyl
Classification: Uncertain significance for Peutz-Jeghers syndrome. Last evaluated: 2016-08-15. Review status: no assertion criteria provided. Collection method: clinical testing. Allele origin: unknown. Not counted in ClinVar's aggregate classification.

Department of Pathology and Laboratory Medicine, Sinai Health System
Classification: Uncertain significance for Generalized juvenile polyposis/juvenile polyposis coli. Review status: no assertion criteria provided. Collection method: clinical testing. Allele origin: unknown. Affected: yes. Study: The Canadian Open Genetics Repository (COGR). Not counted in ClinVar's aggregate classification.
Comment: The STK11 p.Val338Met variant was identified in 1 of 2116 proband chromosomes (frequency: 0.0005) from individuals or families with colorectal cancer (Yurgelun 2017). The variant was also identified in dbSNP (ID: rs587782302) as "With Uncertain significance allele", ClinVar (classified as uncertain significance by Invitae, Ambry Genetics, GeneDx, Counsyl and Color). The variant was not identified in LOVD 3.0, database. The variant was identified in control databases in 4 of 236508 chromosomes at a frequency of 0.00002 (Genome Aggregation Database Feb 27, 2017). The variant was observed in the following populations: European in 2 of 107242 chromosomes (freq: 0.00002), Ashkenazi Jewish in 2 of 9626 chromosomes (freq: 0.0002), while the variant was not observed in the African, Other, Latino, East Asian, Finnish, or South Asian populations. The p.Val338 residue is conserved in mammals and computational analyses (PolyPhen-2, SIFT, AlignGVGD, BLOSUM, MutationTaster) provide inconsistent predictions regarding the impact to the protein; this information is not very predictive of pathogenicity. The variant occurs outside of the splicing consensus sequence and in silico or computational prediction software programs (SpliceSiteFinder, MaxEntScan, NNSPLICE, GeneSplicer) do not predict a difference in splicing. In summary, based on the above information the clinical significance of this variant cannot be determined with certainty at this time. This variant is classified as a variant of uncertain significance.

Literature cited by the submitters: PubMed 28135145 (cited by 6 submitters); PubMed 33471991 (cited by Quest Diagnostics Nichols Institute San Juan Capistrano and Sema4).